The following is an entry in ClinVar:

ClinVar aggregate classification (germline): Uncertain significance (1 of 4 stars; one submission).

Submission:

Labcorp Genetics (formerly Invitae), Labcorp
Classification: Uncertain significance. Last evaluated: 2023-10-13. Review status: criteria provided, single submitter. Criteria: Invitae Variant Classification Sherloc (09022015). Collection method: clinical testing. Allele origin: germline.
Comment: This sequence change replaces arginine, which is basic and polar, with lysine, which is basic and polar, at codon 896 of the CLTC protein (p.Arg896Lys). This variant is not present in population databases (gnomAD no frequency). This variant has not been reported in the literature in individuals affected with CLTC-related conditions. Advanced modeling of protein sequence and biophysical properties (such as structural, functional, and spatial information, amino acid conservation, physicochemical variation, residue mobility, and thermodynamic stability) performed at Invitae indicates that this missense variant is not expected to disrupt CLTC protein function. In summary, the available evidence is currently insufficient to determine the role of this variant in disease. Therefore, it has been classified as a Variant of Uncertain Significance.

NM_004859.4(CLTC):c.2675G>A (p.Arg892Lys)

Gene: CLTC (clathrin heavy chain; plus strand). Cytogenetic location: 17q23.1.
Variant type: single nucleotide variant.
Coding change: c.2675G>A on transcript NM_004859.4 (MANE Select); coding-DNA position 2675, G replaced by A.
Protein change: p.Arg892Lys; replaces arginine 892 with lysine.
Molecular consequence: missense variant.
Genome position (GRCh38, 1-based): chr17:59,677,067, G>A. VCF-style: chr17-59677067-G-A. GRCh37 (hg19) VCF-style: chr17-57754428-G-A.
Other names: c.2687G>A, p.Arg896Lys (NM_001288653.2); short protein forms R892K, R896K.
Identifiers: ClinVar variation 2822624 (VCV002822624.3), dbSNP rs2509144382, ClinGen allele CA400415899.